The following is an entry in ClinVar:

NM_004082.5(DCTN1):c.2432C>G (p.Pro811Arg)

Gene: DCTN1 (dynactin subunit 1; minus strand). Cytogenetic location: 2p13.1.
Variant type: single nucleotide variant.
Coding change: c.2432C>G on transcript NM_004082.5 (MANE Select); coding-DNA position 2432, C replaced by G.
Protein change: p.Pro811Arg; replaces proline 811 with arginine.
Molecular consequence: missense variant. On other transcripts: non-coding transcript variant (1).
Genome position (GRCh38, 1-based): chr2:74,366,817, G>C on the plus strand (C>G on the coding strand, the complement: DCTN1 is on the minus strand). VCF-style: chr2-74366817-G-C. GRCh37 (hg19) VCF-style: chr2-74593944-G-C.
Other names: c.2372C>G, p.Pro791Arg (NM_001135040.3); c.2030C>G, p.Pro677Arg (NM_001135041.3, NM_023019.4); c.2321C>G, p.Pro774Arg (NM_001190836.2); c.2411C>G, p.Pro804Arg (NM_001190837.2); c.2381C>G, p.Pro794Arg (NM_001378991.1); c.2363C>G, p.Pro788Arg (NM_001378992.1); short protein forms P677R, P811R, P774R, P791R, P804R, P788R, P794R.
Identifiers: ClinVar variation 468265 (VCV000468265.42), dbSNP rs150928856, ClinGen allele CA1721843.
Genomic context (GRCh38, chr2:74,366,817, plus strand): 5'-TCCCTTCCCCAGTTGCAGCCTTAAACCTGTGGTCCAAAGGCCAGTGCAGCTGGGATCCCA[G>C]GAGCATCTGTCCCTGGCATTCGCCTTCGGATCTTCTTGCAGAACTGGCGGATGTCACTGC-3'
Protein context (NP_004073.2, residues 801-821): IRRRMPGTDA[Pro811Arg]GIPAALAFGP

ClinVar aggregate classification (germline): Benign/Likely benign. Review status: criteria provided, multiple submitters, no conflicts (2 of 4 stars). 6 submissions from 5 submitters: Benign (3); Likely benign (3). Last evaluated 2025-12-26.

Conditions:
Inborn genetic diseases. Identifiers: MedGen C0950123, MeSH D030342.
Perry syndrome. Also called: PARKINSONISM WITH ALVEOLAR HYPOVENTILATION AND MENTAL DEPRESSION. Identifiers: Orphanet 178509, MedGen C1868594, MONDO:0008201, OMIM 168605.
Neuronopathy, distal hereditary motor, type 7B. Also called: Distal Hereditary Motor Neuronopathy Type 7B (dHMN7B); NEURONOPATHY, DISTAL HEREDITARY MOTOR, AUTOSOMAL DOMINANT 14; NEURONOPATHY, DISTAL HEREDITARY MOTOR, HARDING TYPE VIIB; NEUROPATHY, DISTAL HEREDITARY MOTOR, HARDING TYPE VIIB; NEUROPATHY, DISTAL HEREDITARY MOTOR, WITH VOCAL CORD PARALYSIS, HARDING TYPE VIIB; HMN VIIB. Identifiers: Orphanet 139589, MedGen C1843315, MONDO:0011879, OMIM 607641.
Amyotrophic lateral sclerosis type 1 (ALS1). Also called: AMYOTROPHIC LATERAL SCLEROSIS 1, FAMILIAL. Identifiers: Orphanet 803, MedGen C1862939, MONDO:0007103, OMIM 105400.

Allele frequency attached by ClinVar (database versions not stated): TOPMed 0.00044; ESP Exome Variant Server 0.00046.
gnomAD v4.1: 838 of 1,614,256 alleles (0.052%); highest among the groups gnomAD compares: Non-Finnish European, 0.044%; 1 homozygote.

Submissions (6):

Labcorp Genetics (formerly Invitae), Labcorp
Classification: Benign for Amyotrophic lateral sclerosis type 1; Neuronopathy, distal hereditary motor, type 7B; Perry syndrome. Last evaluated: 2025-12-26. Review status: criteria provided, single submitter. Criteria: Invitae Variant Classification Sherloc (09022015). Collection method: clinical testing. Allele origin: germline.

CeGaT Center for Human Genetics Tuebingen
Classification: Likely benign. Last evaluated: 2025-11-01. Review status: criteria provided, single submitter. Criteria: CeGaT Center For Human Genetics Tuebingen Variant Classification Criteria Version 2. Collection method: clinical testing. Allele origin: germline. Affected: yes. Observed: 2 variant alleles.
Comment: DCTN1: BS2

Ambry Genetics
Classification: Likely benign for Inborn genetic diseases. Last evaluated: 2020-01-31. Review status: criteria provided, single submitter. Criteria: Ambry Variant Classification Scheme 2023. Collection method: clinical testing. Allele origin: germline.

Athena Diagnostics
Classification: Benign. Last evaluated: 2019-01-08. Review status: criteria provided, single submitter. Criteria: Athena Diagnostics Criteria. Collection method: clinical testing. Allele origin: germline.

Illumina Laboratory Services, Illumina
Classification: Benign for Perry syndrome. Last evaluated: 2017-04-27. Review status: criteria provided, single submitter. Criteria: ICSL Variant Classification Criteria 13 December 2019. Collection method: clinical testing. Allele origin: germline.
Comment: This variant was observed as part of a predisposition screen in an ostensibly healthy population. A literature search was performed for the gene, cDNA change, and amino acid change (where applicable). Publications were found based on this search. The evidence from the literature, in combination with allele frequency data from public databases where available, was sufficient to rule this variant out of causing disease. Therefore, this variant is classified as benign.

Illumina Laboratory Services, Illumina
Classification: Likely benign for Neuronopathy, distal hereditary motor, type 7B. Last evaluated: 2017-04-27. Review status: criteria provided, single submitter. Criteria: ICSL Variant Classification Criteria 13 December 2019. Collection method: clinical testing. Allele origin: germline.
Comment: This variant was observed as part of a predisposition screen in an ostensibly healthy population. A literature search was performed for the gene, cDNA change, and amino acid change (where applicable). Publications were found based on this search. The evidence from the literature, in combination with allele frequency data from public databases where available, was sufficient to determine this variant is unlikely to cause disease. Therefore, this variant is classified as likely benign.

Literature cited by the submitters: PubMed 23143281 (cited by Illumina Laboratory Services, Illumina).